The following is an entry in ClinVar:

NM_015466.4(PTPN23):c.1806C>T (p.Phe602=)

Gene: PTPN23 (protein tyrosine phosphatase non-receptor type 23; plus strand). Cytogenetic location: 3p21.31.
Variant type: single nucleotide variant.
Coding change: c.1806C>T on transcript NM_015466.4 (MANE Select); coding-DNA position 1806, C replaced by T.
Protein change: p.Phe602=; no amino-acid change (phenylalanine 602 retained).
Molecular consequence: synonymous variant.
Genome position (GRCh38, 1-based): chr3:47,409,425, C>T. VCF-style: chr3-47409425-C-T. GRCh37 (hg19) VCF-style: chr3-47450915-C-T.
Other names: c.1428C>T, p.Phe476= (NM_001304482.2).
Identifiers: ClinVar variation 1603331 (VCV001603331.33), dbSNP rs144851758, ClinGen allele CA2365831.
Genomic context (GRCh38, chr3:47,409,425, plus strand): 5'-CTTAGGAGTCGAGGCCCTGAGTGTCCGTCCCTGGCCCCCACCCCTTCCTCAGAAGTTGTT[C>T]GAGGAGCAGCTGAAAAAGTATGACCAGCTGAAGGTGTACCTGGAGCAGAACCTGGCCGCC-3'
Protein context (NP_056281.1, residues 592-612): TTDHSEMKKL[Phe602=]EEQLKKYDQL

ClinVar aggregate classification (germline): Likely benign. Review status: criteria provided, multiple submitters, no conflicts (2 of 4 stars). 3 submissions from 3 submitters: Likely benign (3). Last evaluated 2025-07-28.

Allele frequency attached by ClinVar (database versions not stated): ESP Exome Variant Server 0.00008; gnomAD exomes 0.00009; ExAC 0.00010; gnomAD 0.00012 and 0.00013; TOPMed 0.00013; 1000 Genomes Project 30x 0.00016; 1000 Genomes Project 0.00020.

Submissions (3):

Labcorp Genetics (formerly Invitae), Labcorp
Classification: Likely benign. Last evaluated: 2025-07-28. Review status: criteria provided, single submitter. Criteria: Invitae Variant Classification Sherloc (09022015). Collection method: clinical testing. Allele origin: germline.

Blueprint Genetics
Classification: Likely benign. Last evaluated: 2024-07-29. Review status: criteria provided, single submitter. Criteria: ACMG Guidelines, 2015. Collection method: clinical testing. Allele origin: germline.

CeGaT Center for Human Genetics Tuebingen
Classification: Likely benign. Last evaluated: 2022-07-01. Review status: criteria provided, single submitter. Criteria: CeGaT Center For Human Genetics Tuebingen Variant Classification Criteria Version 2. Collection method: clinical testing. Allele origin: germline. Affected: yes. Observed: 1 variant allele.
Comment: PTPN23: BP4, BP7